The following is an entry in ClinVar:

NM_022132.5(MCCC2):c.1200C>T (p.Phe400=)

Gene: MCCC2 (methylcrotonyl-CoA carboxylase subunit 2; plus strand). Cytogenetic location: 5q13.2.
Variant type: single nucleotide variant.
Coding change: c.1200C>T on transcript NM_022132.5 (MANE Select); coding-DNA position 1200, C replaced by T.
Protein change: p.Phe400=; no amino-acid change (phenylalanine 400 retained).
Molecular consequence: synonymous variant.
Genome position (GRCh38, 1-based): chr5:71,646,261, C>T. VCF-style: chr5-71646261-C-T. GRCh37 (hg19) VCF-style: chr5-70942088-C-T.
Other names: c.1086C>T, p.Phe362= (NM_001363147.1); c.1200C>T (NM_022132.4).
Identifiers: ClinVar variation 2163957 (VCV002163957.6), dbSNP rs1052530464, ClinGen allele CA120001309.
Genomic context (GRCh38, chr5:71,646,261, plus strand): 5'-TTGCTTATAGGGTACTCACTTTGTCCAGTTATGCTGCCAAAGAAATATTCCTCTGCTGTT[C>T]CTTCAAAACATTACTGGTAAGAAAATAGCTTAATCAGTTTGGTTGTATTGATTCCAGAGC-3'
Protein context (NP_071415.1, residues 390-410): LCCQRNIPLL[Phe400=]LQNITGFMVG

ClinVar aggregate classification (germline): Likely benign. Review status: criteria provided, single submitter (1 of 4 stars). 2 submissions from 2 submitters: Likely benign (1). 1 of the submissions does not count toward it. Last evaluated 2025-12-02.

Conditions:
MCCC2-related disorder. Also called: MCCC2-related condition.
3-methylcrotonyl-CoA carboxylase 2 deficiency. Also called: METHYLCROTONYLGLYCINURIA, TYPE II; 3 alpha methylcrotonyl-CoA carboxylase 2 deficiency; 3 alpha methylcrotonylglycinuria 2; MCC 2 deficiency; Methylcrotonylglycinuria type 2. Identifiers: Orphanet 6, MedGen C1859499, MONDO:0008862, OMIM 210210.

Allele frequency attached by ClinVar (database versions not stated): gnomAD exomes below 0.00001; TOPMed 0.00001.
gnomAD v4.1: 5 of 1,613,654 alleles (0.00031%); highest among the groups gnomAD compares: Middle Eastern, 0.017%; no homozygotes.

Submissions (2):

Labcorp Genetics (formerly Invitae), Labcorp
Classification: Likely benign for 3-methylcrotonyl-CoA carboxylase 2 deficiency. Last evaluated: 2025-12-02. Review status: criteria provided, single submitter. Criteria: Invitae Variant Classification Sherloc (09022015). Collection method: clinical testing. Allele origin: germline.

PreventionGenetics, part of Exact Sciences
Classification: Likely benign for MCCC2-related condition. Last evaluated: 2019-07-02. Review status: no assertion criteria provided. Collection method: clinical testing. Allele origin: germline. Not counted in ClinVar's aggregate classification.
Comment: This variant is classified as likely benign based on ACMG/AMP sequence variant interpretation guidelines (Richards et al. 2015 PMID: 25741868, with internal and published modifications).